The following is an entry in ClinVar:

NM_032119.4(ADGRV1):c.3885T>G (p.Gly1295=)

Gene: ADGRV1 (adhesion G protein-coupled receptor V1; plus strand). Cytogenetic location: 5q14.3.
Variant type: single nucleotide variant.
Coding change: c.3885T>G on transcript NM_032119.4 (MANE Select); coding-DNA position 3885, T replaced by G.
Protein change: p.Gly1295=; no amino-acid change (glycine 1295 retained).
Molecular consequence: synonymous variant. On other transcripts: non-coding transcript variant (1).
Genome position (GRCh38, 1-based): chr5:90,653,459, T>G. VCF-style: chr5-90653459-T-G. GRCh37 (hg19) VCF-style: chr5-89949276-T-G.
Identifiers: ClinVar variation 666643 (VCV000666643.14), dbSNP rs530678993, ClinGen allele CA3339253.

ClinVar aggregate classification (germline): Likely benign. Review status: criteria provided, multiple submitters, no conflicts (2 of 4 stars). 3 submissions from 3 submitters: Likely benign (3). Last evaluated 2023-12-13.

Allele frequency attached by ClinVar (database versions not stated): gnomAD exomes 0.00001; ExAC 0.00002; gnomAD 0.00006 and 0.00007; TOPMed 0.00010; 1000 Genomes Project 30x 0.00016; 1000 Genomes Project 0.00020.
gnomAD v4.1: 21 of 1,613,924 alleles (0.0013%); highest among the groups gnomAD compares: African/African-American, 0.028%; no homozygotes.

Submissions (3):

Labcorp Genetics (formerly Invitae), Labcorp
Classification: Likely benign. Last evaluated: 2023-12-13. Review status: criteria provided, single submitter. Criteria: Invitae Variant Classification Sherloc (09022015). Collection method: clinical testing. Allele origin: germline.

Blueprint Genetics
Classification: Likely benign. Last evaluated: 2022-08-03. Review status: criteria provided, single submitter. Criteria: ACMG Guidelines, 2015. Collection method: clinical testing. Allele origin: germline.

Laboratory for Molecular Medicine, Mass General Brigham Personalized Medicine
Classification: Likely benign. Last evaluated: 2018-02-28. Review status: criteria provided, single submitter. Criteria: LMM Criteria. Collection method: clinical testing. Allele origin: germline. Observed: 1 variant allele.
Comment: p.Gly1295Gly in exon 20 of ADGRV1 (previously called GPR98): This variant is cla ssified as likely benign because it does not alter an amino acid residue, is not located within the splice consensus sequence, and is not predicted to impact sp licing. It has been identified in 0.02% (2/9784) of African chromosomes by the E xome Aggregation Consortium (ExAC; dbSNP rs53067 8993). ACMG/AMP Criteria applied: BP4, BP7.